The following is an entry in ClinVar:

ClinVar aggregate classification (germline): Uncertain significance (1 of 4 stars; one submission).

Submission:

GeneDx
Classification: Uncertain significance. Last evaluated: 2025-08-07. Review status: criteria provided, single submitter. Criteria: GeneDx Variant Classification Process June 2021. Collection method: clinical testing. Allele origin: germline. Affected: yes.
Comment: Not observed at significant frequency in large population cohorts (gnomAD); In silico analysis suggests that this variant does not alter splicing; Has not been previously published as pathogenic or benign to our knowledge

NM_015076.5(CDK19):c.456+5G>A

Gene: CDK19 (cyclin dependent kinase 19; minus strand). Cytogenetic location: 6q21.
Variant type: single nucleotide variant.
Coding change: c.456+5G>A on transcript NM_015076.5 (MANE Select); 5 bases into the intron after coding-DNA position 456, G replaced by A.
Molecular consequence: intron variant.
Genome position (GRCh38, 1-based): chr6:110,667,429, C>T on the plus strand (G>A on the coding strand, the complement: CDK19 is on the minus strand). VCF-style: chr6-110667429-C-T. GRCh37 (hg19) VCF-style: chr6-110988632-C-T.
Other names: c.276+5G>A (NM_001300964.2, NM_001300963.2); c.456+5G>A (NM_001300960.2).
Identifiers: ClinVar variation 4755629 (VCV004755629.1).
Genomic context (GRCh38, chr6:110,667,429, plus strand): 5'-AGAAAATATATTTTTTAAAAGAGTAGGGAAAAACATATTGATGAATTTAAAAGAAAAATA[C>T]TTACCAAGTCTCTGTGAAGCACCCAATTTGCATGGAGGTAATGGATACCATCAAGAATCT-3'